The following is an entry in ClinVar:

ClinVar aggregate classification (germline): Uncertain significance. Review status: criteria provided, multiple submitters, no conflicts (2 of 4 stars). 3 submissions from 3 submitters: Uncertain significance (3). Last evaluated 2025-06-01.

Conditions:
Dilated cardiomyopathy 1G (CMD1G). Identifiers: Orphanet 154, MedGen C1858763, MONDO:0011400, OMIM 604145.
Myopathy, myofibrillar, 9, with early respiratory failure (MFM9). Also called: EDSTROM MYOPATHY; MYOPATHY, PROXIMAL, WITH EARLY RESPIRATORY MUSCLE INVOLVEMENT; Hereditary myopathy with early respiratory failure; Myopathy, distal, with early respiratory failure, autosomal dominant. Identifiers: Orphanet 178464, Orphanet 34521, MedGen C1863599, MONDO:0011362, OMIM 603689.
Autosomal recessive limb-girdle muscular dystrophy type 2J (LGMDR10). Also called: Limb-girdle muscular dystrophy, type 2J; MUSCULAR DYSTROPHY, LIMB-GIRDLE, AUTOSOMAL RECESSIVE 10. Identifiers: Orphanet 140922, MedGen C1837342, MONDO:0012127, OMIM 608807.
Tibial muscular dystrophy (TMD). Also called: Udd Distal Myopathy – Tibial Muscular Dystrophy; Tibial muscular dystrophy, tardive; UDD MYOPATHY. Identifiers: Orphanet 609, MedGen C1838244, MONDO:0010870, OMIM 600334.
Early-onset myopathy with fatal cardiomyopathy (CMYO5). Also called: CONGENITAL MYOPATHY 5 WITH CARDIOMYOPATHY; Salih Myopathy. Identifiers: Orphanet 289377, MedGen C2673677, MONDO:0012714, OMIM 611705. Disease mechanism: loss of function.
Hypertrophic cardiomyopathy 9. Also called: Familial hypertrophic cardiomyopathy 9. Identifiers: MedGen C1861065, MONDO:0013412, OMIM 613765.

Allele frequency attached by ClinVar (database versions not stated): gnomAD 0.00001; gnomAD exomes 0.00001; TOPMed 0.00001.
gnomAD v4.1: 19 of 1,612,340 alleles (0.0012%); highest among the groups gnomAD compares: Non-Finnish European, 0.0014%; no homozygotes.

Submissions (3):

CeGaT Center for Human Genetics Tuebingen
Classification: Uncertain significance. Last evaluated: 2025-06-01. Review status: criteria provided, single submitter. Criteria: CeGaT Center For Human Genetics Tuebingen Variant Classification Criteria Version 2. Collection method: clinical testing. Allele origin: germline. Affected: yes. Observed: 1 variant allele.
Comment: TTN: PM2, BP4

Fulgent Genetics
Classification: Uncertain significance for Tibial muscular dystrophy; Myopathy, myofibrillar, 9, with early respiratory failure; Dilated cardiomyopathy 1G; Autosomal recessive limb-girdle muscular dystrophy type 2J; Early-onset myopathy with fatal cardiomyopathy; Hypertrophic cardiomyopathy 9. Last evaluated: 2021-07-15. Review status: criteria provided, single submitter. Criteria: ACMG Guidelines, 2015. Collection method: clinical testing. Allele origin: unknown.

Biesecker Lab/Clinical Genomics Section, National Institutes of Health
Classification: Uncertain significance. Last evaluated: 2013-06-24. Review status: criteria provided, single submitter. Criteria: Ng et al. (Circ Cardiovasc Genet. 2013). Collection method: research. Allele origin: unknown. Observed: 1 variant allele. Study: ClinSeq.
Comment: The study set was not selected for affection status in relation to any cancer. Pathogenicity categories were based on literature curation. See Pubmed ID:23861362 for details.

Medical sequencing

NM_133379.5(TTN):c.11834C>T (p.Ser3945Leu)

Gene: TTN (titin; minus strand). Cytogenetic location: 2q31.2.
Variant type: single nucleotide variant.
Coding change: c.11834C>T on transcript NM_133379.5; coding-DNA position 11834, C replaced by T.
Protein change: p.Ser3945Leu; replaces serine 3945 with leucine.
Molecular consequence: missense variant. On other transcripts: intron variant (6).
Genome position (GRCh38, 1-based): chr2:178,750,566, G>A on the plus strand (C>T on the coding strand, the complement: TTN is on the minus strand). VCF-style: chr2-178750566-G-A. GRCh37 (hg19) VCF-style: chr2-179615293-G-A.
Other names: c.10222+2558C>T (NM_003319.4); c.10798+2558C>T (NM_133437.4); c.10597+2558C>T (NM_133432.3); c.10360+2558C>T (NM_133378.4, NM_001256850.1); c.11311+2558C>T (NM_001267550.2); c.11834C>T (NM_133379.4); short protein forms S3945L.
Identifiers: ClinVar variation 192059 (VCV000192059.10), dbSNP rs200512885, ClinGen allele CA238211.